The following is an entry in ClinVar:

NM_022458.4(LMBR1):c.-20G>A

Genes: LMBR1 (limb development membrane protein 1; minus strand), LOC129999727 (ATAC-STARR-seq lymphoblastoid silent region 18853; plus strand). Cytogenetic location: 7q36.3.
Variant type: single nucleotide variant.
Coding change: c.-20G>A on transcript NM_022458.4 (MANE Select); 20 bases upstream of the start codon, G replaced by A.
Molecular consequence: 5 prime UTR variant. On other transcripts: non-coding transcript variant (2).
Genome position (GRCh38, 1-based): chr7:156,893,013, C>T on the plus strand (G>A on the coding strand, the complement: LMBR1 is on the minus strand). VCF-style: chr7-156893013-C-T. GRCh37 (hg19) VCF-style: chr7-156685707-C-T.
Other names: c.-20G>A (NM_001350953.2, NM_001363409.2, NM_001363410.2); c.-159G>A (NM_001350954.2); c.-652G>A (NM_001350955.2); c.-554G>A (NM_001350956.2, NM_001350958.2); c.-487G>A (NM_001350957.2, NM_001363411.2); c.-10G>A (NM_001363412.2); c.-672G>A (NM_001363413.2).
Identifiers: ClinVar variation 4992809 (VCV004992809.1).

ClinVar aggregate classification (germline): Likely benign (1 of 4 stars; one submission).

Conditions:
LMBR1-related disorder. Also called: LMBR1-related condition.

gnomAD v4.1: 2 of 1,497,302 alleles (0.00013%); highest among the groups gnomAD compares: Non-Finnish European, 0.000089%; no homozygotes.

Submission:

PreventionGenetics, part of Exact Sciences
Classification: Likely benign for LMBR1-related condition. Last evaluated: 2026-01-12. Review status: criteria provided, single submitter. Criteria: ACMG Guidelines, 2015. Collection method: clinical testing. Allele origin: germline.
Comment: This variant is classified as likely benign based on ACMG/AMP sequence variant interpretation guidelines (Richards et al. 2015 PMID: 25741868, with internal and published modifications).